The following is an entry in ClinVar:

NM_024996.7(GFM1):c.1600C>T (p.Pro534Ser)

Gene: GFM1 (G elongation factor mitochondrial 1; plus strand). Cytogenetic location: 3q25.32.
Variant type: single nucleotide variant.
Coding change: c.1600C>T on transcript NM_024996.7 (MANE Select); coding-DNA position 1600, C replaced by T.
Protein change: p.Pro534Ser; replaces proline 534 with serine.
Molecular consequence: missense variant. On other transcripts: non-coding transcript variant (4).
Genome position (GRCh38, 1-based): chr3:158,666,385, C>T. VCF-style: chr3-158666385-C-T. GRCh37 (hg19) VCF-style: chr3-158384174-C-T.
Other names: c.1657C>T, p.Pro553Ser (NM_001308164.2); c.1600C>T, p.Pro534Ser (NM_001308166.2); c.1519C>T, p.Pro507Ser (NM_001374355.1); c.1483C>T, p.Pro495Ser (NM_001374356.1); c.1375C>T, p.Pro459Ser (NM_001374357.1); c.1141C>T, p.Pro381Ser (NM_001374358.1); c.1033C>T, p.Pro345Ser (NM_001374359.1, NM_001374360.1); c.916C>T, p.Pro306Ser (NM_001374361.1); short protein forms P306S, P345S, P381S, P459S, P495S, P507S, P534S, P553S.
Identifiers: ClinVar variation 2412847 (VCV002412847.3), dbSNP rs1023429010, ClinGen allele CA86513913.

ClinVar aggregate classification (germline): Uncertain significance (1 of 4 stars; one submission).

Allele frequency attached by ClinVar (database versions not stated): TOPMed below 0.00001; gnomAD 0.00001.
gnomAD v4.1: 3 of 1,611,758 alleles (0.00019%); highest among the groups gnomAD compares: African/African-American, 0.004%; no homozygotes.

Submission:

GeneDx
Classification: Uncertain significance. Last evaluated: 2022-07-27. Review status: criteria provided, single submitter. Criteria: GeneDx Variant Classification Process June 2021. Collection method: clinical testing. Allele origin: germline. Affected: yes.
Comment: Not observed at significant frequency in large population cohorts (gnomAD); In silico analysis supports that this missense variant does not alter protein structure/function; Has not been previously published as pathogenic or benign to our knowledge